The following is an entry in ClinVar:

ClinVar aggregate classification (germline): Uncertain significance (1 of 4 stars; one submission).

Submission:

Ambry Genetics
Classification: Uncertain significance. Last evaluated: 2021-09-23. Review status: criteria provided, single submitter. Criteria: Ambry Variant Classification Scheme 2023. Collection method: clinical testing. Allele origin: germline.
Comment: The p.P1505S variant (also known as c.4513C>T), located in coding exon 16 of the POLQ gene, results from a C to T substitution at nucleotide position 4513. The proline at codon 1505 is replaced by serine, an amino acid with similar properties. This amino acid position is conserved. In addition, this alteration is predicted to be tolerated by in silico analysis. Since supporting evidence is limited at this time, the clinical significance of this alteration remains unclear.

NM_199420.4(POLQ):c.4513C>T (p.Pro1505Ser)

Gene: POLQ (DNA polymerase theta; minus strand). Cytogenetic location: 3q13.33.
Variant type: single nucleotide variant.
Coding change: c.4513C>T on transcript NM_199420.4 (MANE Select); coding-DNA position 4513, C replaced by T.
Protein change: p.Pro1505Ser; replaces proline 1505 with serine.
Molecular consequence: missense variant.
Genome position (GRCh38, 1-based): chr3:121,488,418, G>A on the plus strand (C>T on the coding strand, the complement: POLQ is on the minus strand). VCF-style: chr3-121488418-G-A. GRCh37 (hg19) VCF-style: chr3-121207265-G-A.
Other names: short protein forms P1505S.
Identifiers: ClinVar variation 1741147 (VCV001741147.2), dbSNP rs376253101, ClinGen allele CA354094881.